The following is an entry in ClinVar:

NM_021973.3(HAND2):c.269_320del (p.Pro90fs)

Genes: HAND2 (heart and neural crest derivatives expressed 2; minus strand), HAND2-AS1 (HAND2 antisense RNA 1; plus strand). Cytogenetic location: 4q34.1.
Variant type: Deletion.
Coding change: c.269_320del on transcript NM_021973.3 (MANE Select); coding-DNA positions 269 to 320, 52 bases deleted.
Protein change: p.Pro90fs; shifts the reading frame from proline 90.
Molecular consequence: frameshift variant.
Genome position (GRCh38, 1-based): chr4:173,528,970-173,529,021, 52 bases deleted. GRCh37 (hg19): chr4:174,450,121-174,450,172.
Other names: short protein forms P90fs.
Identifiers: ClinVar variation 3661904 (VCV003661904.2).

ClinVar aggregate classification (germline): Uncertain significance (1 of 4 stars; one submission).

Submission:

Labcorp Genetics (formerly Invitae), Labcorp
Classification: Uncertain significance. Last evaluated: 2024-08-10. Review status: criteria provided, single submitter. Criteria: Invitae Variant Classification Sherloc (09022015). Collection method: clinical testing. Allele origin: germline.
Comment: This sequence change creates a premature translational stop signal (p.Pro90Argfs*70) in the HAND2 gene. It is expected to result in an absent or disrupted protein product. However, the current clinical and genetic evidence is not sufficient to establish whether loss-of-function variants in HAND2 cause disease. This variant is not present in population databases (gnomAD no frequency). This variant has not been reported in the literature in individuals affected with HAND2-related conditions. In summary, the available evidence is currently insufficient to determine the role of this variant in disease. Therefore, it has been classified as a Variant of Uncertain Significance.